The following is an entry in ClinVar:

NM_001374828.1(ARID1B):c.1966A>G (p.Met656Val)

Gene: ARID1B (AT-rich interaction domain 1B; plus strand). Cytogenetic location: 6q25.3.
Variant type: single nucleotide variant.
Coding change: c.1966A>G on transcript NM_001374828.1 (MANE Select); coding-DNA position 1966, A replaced by G.
Protein change: p.Met656Val; replaces methionine 656 with valine.
Molecular consequence: missense variant.
Genome position (GRCh38, 1-based): chr6:156,829,401, A>G. VCF-style: chr6-156829401-A-G. GRCh37 (hg19) VCF-style: chr6-157150535-A-G.
Other names: c.1717A>G, p.Met573Val (NM_001346813.1, NM_020732.3); c.1966A>G, p.Met656Val (NM_001371656.1, NM_001374820.1, NM_017519.3); c.1543A>G, p.Met515Val (NM_175863.2); short protein forms M656V, M515V, M573V.
Identifiers: ClinVar variation 2748103 (VCV002748103.4), dbSNP rs778121932, ClinGen allele CA4066854.
Genomic context (GRCh38, chr6:156,829,401, plus strand): 5'-CCAGGCCCACAGCGGTATCCAATTGGCATCCAGGGTCGGACTCCCGGGGCCATGGCCGGA[A>G]TGCAGTACCCTCAGCAGCAGGTTTGTGCTGGTCCCCCGACCCGCTGCTTTTTTGTAATAG-3'
Protein context (NP_001361757.1, residues 646-666): QGRTPGAMAG[Met656Val]QYPQQQMPPQ

ClinVar aggregate classification (germline): Conflicting classifications of pathogenicity. Review status: criteria provided, conflicting classifications (1 of 4 stars). 2 submissions from 2 submitters: Uncertain significance (1); Likely benign (1). Last evaluated 2025-02-08.

Conditions:
Inborn genetic diseases. Identifiers: MedGen C0950123, MeSH D030342.

Allele frequency attached by ClinVar (database versions not stated): TOPMed below 0.00001; ExAC 0.00001.
gnomAD v4.1: 2 of 1,614,134 alleles (0.00012%); highest among the groups gnomAD compares: East Asian, 0.0022%; no homozygotes.

Submissions (2):

Ambry Genetics
Classification: Likely benign for Inborn genetic diseases. Last evaluated: 2025-02-08. Review status: criteria provided, single submitter. Criteria: Ambry Variant Classification Scheme 2023. Collection method: clinical testing. Allele origin: germline.

Labcorp Genetics (formerly Invitae), Labcorp
Classification: Uncertain significance. Last evaluated: 2023-07-29. Review status: criteria provided, single submitter. Criteria: Invitae Variant Classification Sherloc (09022015). Collection method: clinical testing. Allele origin: germline.
Comment: In summary, the available evidence is currently insufficient to determine the role of this variant in disease. Therefore, it has been classified as a Variant of Uncertain Significance. Advanced modeling of protein sequence and biophysical properties (such as structural, functional, and spatial information, amino acid conservation, physicochemical variation, residue mobility, and thermodynamic stability) has been performed at Invitae for this missense variant, however the output from this modeling did not meet the statistical confidence thresholds required to predict the impact of this variant on ARID1B protein function. This variant has not been reported in the literature in individuals affected with ARID1B-related conditions. This variant is present in population databases (rs778121932, gnomAD 0.007%). This sequence change replaces methionine, which is neutral and non-polar, with valine, which is neutral and non-polar, at codon 573 of the ARID1B protein (p.Met573Val).